The following is an entry in ClinVar:

ClinVar aggregate classification (germline): Uncertain significance (1 of 4 stars; one submission).

gnomAD v4.1: 60 of 1,609,200 alleles (0.0037%); highest among the groups gnomAD compares: Non-Finnish European, 0.0048%; no homozygotes.

Submission:

Labcorp Genetics (formerly Invitae), Labcorp
Classification: Uncertain significance. Last evaluated: 2025-01-01. Review status: criteria provided, single submitter. Criteria: Invitae Variant Classification Sherloc (09022015). Collection method: clinical testing. Allele origin: germline.
Comment: This sequence change replaces arginine, which is basic and polar, with cysteine, which is neutral and slightly polar, at codon 132 of the KANK2 protein (p.Arg132Cys). This variant is present in population databases (rs770707707, gnomAD 0.01%). This variant has not been reported in the literature in individuals affected with KANK2-related conditions. An algorithm developed to predict the effect of missense changes on protein structure and function (PolyPhen-2) suggests that this variant is likely to be disruptive. In summary, the available evidence is currently insufficient to determine the role of this variant in disease. Therefore, it has been classified as a Variant of Uncertain Significance.

NM_001136191.3(KANK2):c.394C>T (p.Arg132Cys)

Gene: KANK2 (KN motif and ankyrin repeat domains 2; minus strand). Cytogenetic location: 19p13.2.
Variant type: single nucleotide variant.
Coding change: c.394C>T on transcript NM_001136191.3 (MANE Select); coding-DNA position 394, C replaced by T.
Protein change: p.Arg132Cys; replaces arginine 132 with cysteine.
Molecular consequence: missense variant.
Genome position (GRCh38, 1-based): chr19:11,193,686, G>A on the plus strand (C>T on the coding strand, the complement: KANK2 is on the minus strand). VCF-style: chr19-11193686-G-A. GRCh37 (hg19) VCF-style: chr19-11304362-G-A.
Other names: c.394C>T, p.Arg132Cys (NM_001379557.1, NM_001379558.1, NM_001379559.1 and 15 more transcripts); short protein forms R132C.
Identifiers: ClinVar variation 3666025 (VCV003666025.2).